The following is an entry in ClinVar:

NM_170707.4(LMNA):c.1340AGG[1] (p.Glu448del)

Gene: LMNA (lamin A/C; plus strand). Cytogenetic location: 1q22.
Variant type: Microsatellite.
Coding change: c.1340AGG[1] on transcript NM_170707.4 (MANE Select); one copy of the 3-base unit AGG starting at c.1340; the reference has two copies in a row; one copy, 3 bases deleted.
Protein change: p.Glu448del; deletes glutamic acid 448.
Molecular consequence: inframe deletion. On other transcripts: inframe indel (1).
Genome position (GRCh38, 1-based): chr1:156,136,399-156,136,401, AGG deleted; deleting any 3 consecutive bases within chr1:156,136,395-156,136,401 gives the same sequence; the position shown is the placement nearest the transcript's 3' end. VCF-style (leftmost placement, unchanged base first): chr1-156136394-TGAG-T. GRCh37 (hg19) VCF-style: chr1-156106185-TGAG-T.
Other names: c.1343_1345delAGG (NM_170707.2); c.782AGG[1], p.Glu262del (NM_001406990.1, NM_001406993.1, NM_001406995.1 and 4 more transcripts); c.1340AGG[1], p.Glu448del (NM_001406991.1, NM_001406992.1, NM_001282625.2 and 6 more transcripts); c.716AGG[1], p.Glu240del (NM_001406994.1, NM_001406999.1, NM_001407000.1 and 1 more transcripts); c.1004AGG[1], p.Glu336del (NM_001406998.1, NM_001257374.3, NM_001406989.1); c.1097AGG[1], p.Glu367del (NM_001282624.2, NM_001406986.1, NM_001406987.1); c.1043AGG[1], p.Glu349del (NM_001406988.1); c.1340_1342AGG[1], p.Glu448del (NM_170707.2); short protein forms E240del, E262del, E336del, E349del, E367del, E448del.
Identifiers: ClinVar variation 3731318 (VCV003731318.2).

ClinVar aggregate classification (germline): Uncertain significance. Review status: criteria provided, multiple submitters, no conflicts (2 of 4 stars). 2 submissions from 2 submitters: Uncertain significance (2). Last evaluated 2026-06-04.

Conditions:
Cardiovascular phenotype. Identifiers: MedGen CN230736.
Emery-Dreifuss muscular dystrophy 2, autosomal dominant (EDMD2). Also called: Benign scapuloperoneal muscular dystrophy with cardiomyopathy; LMNA-Related Emery-Dreifuss Muscular Dystrophy, Autosomal; HAUPTMANN-THANNHAUSER MUSCULAR DYSTROPHY; Limb-girdle muscular dystrophy, type 1B; Muscular dystrophy, proximal, type 1B; MUSCULAR DYSTROPHY WITH EARLY CONTRACTURES AND CARDIOMYOPATHY, AUTOSOMAL DOMINANT. Identifiers: Orphanet 261, Orphanet 264, MedGen C0410190, MONDO:0021569, OMIM 181350.

Submissions (2):

Ambry Genetics
Classification: Uncertain significance for Cardiovascular phenotype. Last evaluated: 2026-06-04. Review status: criteria provided, single submitter. Criteria: Ambry Variant Classification Scheme 2023. Collection method: clinical testing. Allele origin: germline.
Comment: The c.1343_1345delAGG variant (also known as p.E448del) is located in coding exon 7 of the LMNA gene. This variant results from an in-frame AGG deletion at nucleotide positions 1343 to 1345. This results in the in-frame deletion of a glutamic acid at codon 448. This amino acid position is well conserved in available vertebrate species. In addition, this variant is predicted to be deleterious by in silico analysis (Choi Y et al. PLoS ONE. 2012; 7(10):e46688). Based on the available evidence, the clinical significance of this variant remains unclear.

Institute of Medical Genetics and Applied Genomics, University Hospital Tübingen
Classification: Uncertain significance for Emery-Dreifuss muscular dystrophy 2, autosomal dominant. Last evaluated: 2025-02-20. Review status: criteria provided, single submitter. Criteria: ACMG Guidelines, 2015. Collection method: clinical testing. Allele origin: germline. Inheritance: Autosomal dominant inheritance. Affected: yes.